The following is an entry in ClinVar:

ClinVar aggregate classification (germline): Pathogenic (1 of 4 stars; one submission).

Submission:

Labcorp Genetics (formerly Invitae), Labcorp
Classification: Pathogenic. Last evaluated: 2024-07-04. Review status: criteria provided, single submitter. Criteria: Invitae Variant Classification Sherloc (09022015). Collection method: clinical testing. Allele origin: germline.
Comment: This sequence change creates a premature translational stop signal (p.Glu2773Glyfs*53) in the CDH23 gene. It is expected to result in an absent or disrupted protein product. Loss-of-function variants in CDH23 are known to be pathogenic (PMID: 11138009, 21940737). This variant is not present in population databases (gnomAD no frequency). This variant has not been reported in the literature in individuals affected with CDH23-related conditions. For these reasons, this variant has been classified as Pathogenic.

Literature cited by the submitters: PubMed 11138009; PubMed 21940737.

NM_022124.6(CDH23):c.8318_8319del (p.Glu2773fs)

Gene: CDH23 (cadherin related 23; plus strand). Cytogenetic location: 10q22.1.
Variant type: Deletion.
Coding change: c.8318_8319del on transcript NM_022124.6 (MANE Select); coding-DNA positions 8318 to 8319, 2 bases deleted (AA; older notation c.8318_8319delAA).
Protein change: p.Glu2773fs; shifts the reading frame from glutamic acid 2773.
Molecular consequence: frameshift variant.
Genome position (GRCh38, 1-based): chr10:71,807,525-71,807,526, AA deleted. VCF-style (leftmost placement, unchanged base first): chr10-71807524-GAA-G. GRCh37 (hg19) VCF-style: chr10-73567281-GAA-G.
Other names: c.1598_1599del, p.Glu533fs (NM_001171933.1, NM_001171934.1); short protein forms E2773fs, E533fs.
Identifiers: ClinVar variation 2767895 (VCV002767895.3), dbSNP rs2494434951, ClinGen allele CA2695212117.
Genomic context (GRCh38, chr10:71,807,524, plus strand): 5'-TGCCCTGCTCCTGGCCCTGCCCCCTCACCCTGTGCCATGATCCCACCCTCAGCCGGCAAC[GAA>G]GAGAAGAACTTCCATCTGCAGCCCGATGGGTGTCTGCTGGTGCTGCGGGACCTGGACCGG-3'